The following is an entry in ClinVar:

NM_001365951.3(KIF1B):c.4396G>C (p.Asp1466His)

Gene: KIF1B (kinesin family member 1B; plus strand). Cytogenetic location: 1p36.22.
Variant type: single nucleotide variant.
Coding change: c.4396G>C on transcript NM_001365951.3 (MANE Select); coding-DNA position 4396, G replaced by C.
Protein change: p.Asp1466His; replaces aspartic acid 1466 with histidine.
Molecular consequence: missense variant.
Genome position (GRCh38, 1-based): chr1:10,365,129, G>C. VCF-style: chr1-10365129-G-C. GRCh37 (hg19) VCF-style: chr1-10425187-G-C.
Other names: c.4396G>C, p.Asp1466His (NM_001365952.1); c.4258G>C, p.Asp1420His (NM_015074.3); short protein forms D1420H, D1466H.
Identifiers: ClinVar variation 3288409 (VCV003288409.1).

ClinVar aggregate classification (germline): Uncertain significance (1 of 4 stars; one submission).

Submission:

Ambry Genetics
Classification: Uncertain significance. Last evaluated: 2024-03-30. Review status: criteria provided, single submitter. Criteria: Ambry Variant Classification Scheme 2023. Collection method: clinical testing. Allele origin: germline.
Comment: The p.D1420H variant (also known as c.4258G>C), located in coding exon 39 of the KIF1B gene, results from a G to C substitution at nucleotide position 4258. The aspartic acid at codon 1420 is replaced by histidine, an amino acid with similar properties. This amino acid position is conserved. In addition, this alteration is predicted to be deleterious by in silico analysis. Based on the available evidence, the clinical significance of this alteration remains unclear.